The following is an entry in ClinVar:

NM_000038.6(APC):c.4281T>A (p.Pro1427=)

Gene: APC (APC regulator of Wnt signaling pathway; plus strand). Cytogenetic location: 5q22.2.
Variant type: single nucleotide variant.
Coding change: c.4281T>A on transcript NM_000038.6 (MANE Select); coding-DNA position 4281, T replaced by A.
Protein change: p.Pro1427=; no amino-acid change (proline 1427 retained).
Molecular consequence: synonymous variant. On other transcripts: non-coding transcript variant (2).
Genome position (GRCh38, 1-based): chr5:112,839,875, T>A. VCF-style: chr5-112839875-T-A. GRCh37 (hg19) VCF-style: chr5-112175572-T-A.
Other names: c.4281T>A, p.Pro1427= (NM_001127510.3, NM_001354895.2, NM_001407450.1); c.4227T>A, p.Pro1409= (NM_001127511.3); c.4335T>A, p.Pro1445= (NM_001354896.2, NM_001407447.1, NM_001407448.1 and 1 more transcripts); c.4311T>A, p.Pro1437= (NM_001354897.2); c.4206T>A, p.Pro1402= (NM_001354898.2); c.4197T>A, p.Pro1399= (NM_001354899.2); c.4158T>A, p.Pro1386= (NM_001354900.2); c.4104T>A, p.Pro1368= (NM_001354901.2, NM_001407453.1); and 11 more.
Identifiers: ClinVar variation 1739357 (VCV001739357.10), dbSNP rs2533562349, ClinGen allele CA445964434.

ClinVar aggregate classification (germline): Likely benign. Review status: criteria provided, multiple submitters, no conflicts (2 of 4 stars). 2 submissions from 2 submitters: Likely benign (2). Last evaluated 2025-08-01.

Conditions:
Hereditary cancer-predisposing syndrome. Also called: Hereditary neoplastic syndrome; Tumor predisposition; Neoplastic Syndromes, Hereditary; Hereditary Cancer Syndrome. Identifiers: Orphanet 140162, MedGen C0027672, MeSH D009386, MONDO:0015356.

Submissions (2):

CeGaT Center for Human Genetics Tuebingen
Classification: Likely benign. Last evaluated: 2025-08-01. Review status: criteria provided, single submitter. Criteria: CeGaT Center For Human Genetics Tuebingen Variant Classification Criteria Version 2. Collection method: clinical testing. Allele origin: germline. Affected: yes. Observed: 1 variant allele.
Comment: APC: PM2:Supporting, BP4, BP7

Ambry Genetics
Classification: Likely benign for Hereditary cancer-predisposing syndrome. Last evaluated: 2021-08-13. Review status: criteria provided, single submitter. Criteria: Ambry Variant Classification Scheme 2023. Collection method: clinical testing. Allele origin: germline.